The following is an entry in ClinVar:

NM_000540.3(RYR1):c.8112C>G (p.Cys2704Trp)

Gene: RYR1 (ryanodine receptor 1; plus strand). Cytogenetic location: 19q13.2.
Variant type: single nucleotide variant.
Coding change: c.8112C>G on transcript NM_000540.3 (MANE Select); coding-DNA position 8112, C replaced by G.
Protein change: p.Cys2704Trp; replaces cysteine 2704 with tryptophan.
Molecular consequence: missense variant.
Genome position (GRCh38, 1-based): chr19:38,504,792, C>G. VCF-style: chr19-38504792-C-G. GRCh37 (hg19) VCF-style: chr19-38995432-C-G.
Other names: c.8112C>G, p.Cys2704Trp (NM_001042723.2); short protein forms C2704W.
Identifiers: ClinVar variation 3385465 (VCV003385465.1).

ClinVar aggregate classification (germline): Uncertain significance (1 of 4 stars; one submission).

Conditions:
Malignant hyperthermia, susceptibility to, 1 (MHS1). Also called: Anesthesia related hyperthermia; Malignant hyperpyrexia; Fulminating hyperpyrexia; Pharmacogenic myopathy; Malignant hyperthermia suceptibility 1; RYR1-Related Malignant Hyperthermia Susceptibility. Identifiers: Orphanet 423, MedGen C2930980, MONDO:0007783, OMIM 145600.

Submission:

All of Us Research Program, National Institutes of Health
Classification: Uncertain significance for Malignant hyperthermia, susceptibility to, 1. Last evaluated: 2024-07-20. Review status: criteria provided, single submitter. Criteria: ACMG Guidelines, 2015. Collection method: clinical testing. Allele origin: germline. Inheritance: Autosomal dominant inheritance. Observed: 1 variant allele, 1 heterozygote.
Comment: This missense variant replaces cysteine with tryptophan at codon 2704 of the RYR1 protein. Computational prediction is inconclusive regarding the impact of this variant on protein structure and function (internally defined REVEL score threshold 0.5 < inconclusive < 0.7, PMID: 27666373). To our knowledge, functional studies have not been reported for this variant. This variant has not been reported in individuals affected with RYR1-related disorders in the literature. This variant has not been identified in the general population by the Genome Aggregation Database (gnomAD). The available evidence is insufficient to determine the role of this variant in disease conclusively. Therefore, this variant is classified as a Variant of Uncertain Significance.

This study involves interpretation of variants in research participants for the purpose of population health screening. Participant phenotype was not available at the time of variant classification. Additional details can be found in publication PMID: 35346344, PMCID: PMC8962531